The following is an entry in ClinVar:

ClinVar aggregate classification (germline): Uncertain significance (1 of 4 stars; one submission).

Conditions:
RASopathy. Also called: rasopathies; Noonan spectrum disorder. Identifiers: Orphanet 536391, MedGen C5555857, MONDO:0021060.

Submission:

Labcorp Genetics (formerly Invitae), Labcorp
Classification: Uncertain significance for RASopathy. Last evaluated: 2024-01-31. Review status: criteria provided, single submitter. Criteria: Invitae Variant Classification Sherloc (09022015). Collection method: clinical testing. Allele origin: germline.
Comment: This sequence change replaces alanine, which is neutral and non-polar, with proline, which is neutral and non-polar, at codon 877 of the CBL protein (p.Ala877Pro). This variant is not present in population databases (gnomAD no frequency). This variant has not been reported in the literature in individuals affected with CBL-related conditions. Advanced modeling of protein sequence and biophysical properties (such as structural, functional, and spatial information, amino acid conservation, physicochemical variation, residue mobility, and thermodynamic stability) performed at Invitae indicates that this missense variant is not expected to disrupt CBL protein function with a negative predictive value of 95%. In summary, the available evidence is currently insufficient to determine the role of this variant in disease. Therefore, it has been classified as a Variant of Uncertain Significance.

NM_005188.4(CBL):c.2629G>C (p.Ala877Pro)

Gene: CBL (Cbl proto-oncogene; plus strand). Cytogenetic location: 11q23.3.
Variant type: single nucleotide variant.
Coding change: c.2629G>C on transcript NM_005188.4 (MANE Select); coding-DNA position 2629, G replaced by C.
Protein change: p.Ala877Pro; replaces alanine 877 with proline.
Molecular consequence: missense variant.
Genome position (GRCh38, 1-based): chr11:119,299,689, G>C. VCF-style: chr11-119299689-G-C. GRCh37 (hg19) VCF-style: chr11-119170399-G-C.
Other names: short protein forms A877P.
Identifiers: ClinVar variation 2712161 (VCV002712161.3), dbSNP rs1477997244, ClinGen allele CA382933557.